The following is an entry in ClinVar:

ClinVar aggregate classification (germline): Likely benign (0 of 4 stars; one submission).

Conditions:
FAT1-related disorder. Also called: FAT1-related condition.

Allele frequency attached by ClinVar (database versions not stated): gnomAD exomes below 0.00001.
gnomAD v4.1: 1 of 1,613,944 alleles (0.000062%); highest among the groups gnomAD compares: Non-Finnish European, 0.000085%; no homozygotes.

Submission:

PreventionGenetics, part of Exact Sciences
Classification: Likely benign for FAT1-related condition. Last evaluated: 2019-09-04. Review status: no assertion criteria provided. Collection method: clinical testing. Allele origin: germline.
Comment: This variant is classified as likely benign based on ACMG/AMP sequence variant interpretation guidelines (Richards et al. 2015 PMID: 25741868, with internal and published modifications).

NM_005245.4(FAT1):c.5193C>T (p.Pro1731=)

Gene: FAT1 (FAT atypical cadherin 1; minus strand). Cytogenetic location: 4q35.2.
Variant type: single nucleotide variant.
Coding change: c.5193C>T on transcript NM_005245.4 (MANE Select); coding-DNA position 5193, C replaced by T.
Protein change: p.Pro1731=; no amino-acid change (proline 1731 retained).
Molecular consequence: synonymous variant.
Genome position (GRCh38, 1-based): chr4:186,621,393, G>A on the plus strand (C>T on the coding strand, the complement: FAT1 is on the minus strand). VCF-style: chr4-186621393-G-A. GRCh37 (hg19) VCF-style: chr4-187542547-G-A.
Identifiers: ClinVar variation 3053496 (VCV003053496.2), dbSNP rs2126524826, ClinGen allele CA442895748.
Genomic context (GRCh38, chr4:186,621,393, plus strand): 5'-AACCGTTGTATTAGTGGACAAACCAGCCATGTTAGTTCCTTGTATTATCAATGTGTAAAT[G>A]GGCAAAGTTTCAAAGTCCAGGGCTTTCTGAGTGATGATAGTTCCAGAATGTGGATTAATA-3'
Protein context (NP_005236.2, residues 1721-1741): TQKALDFETL[Pro1731=]IYTLIIQGTN